The following is an entry in ClinVar:

NM_014889.4(PITRM1):c.1686T>C (p.Val562=)

Gene: PITRM1 (pitrilysin metallopeptidase 1; minus strand). Cytogenetic location: 10p15.2.
Variant type: single nucleotide variant.
Coding change: c.1686T>C on transcript NM_014889.4 (MANE Select); coding-DNA position 1686, T replaced by C.
Protein change: p.Val562=; no amino-acid change (valine 562 retained).
Molecular consequence: synonymous variant. On other transcripts: non-coding transcript variant (4).
Genome position (GRCh38, 1-based): chr10:3,151,299, A>G on the plus strand (T>C on the coding strand, the complement: PITRM1 is on the minus strand). VCF-style: chr10-3151299-A-G. GRCh37 (hg19) VCF-style: chr10-3193491-A-G.
Other names: c.1686T>C, p.Val562= (NM_001242307.2, NM_001347725.2); c.1590T>C, p.Val530= (NM_001242309.1); c.1071T>C, p.Val357= (NM_001347726.2, NM_001347727.2); c.381T>C, p.Val127= (NM_001347728.2); c.1662T>C, p.Val554= (NM_001347729.1, NM_001347730.1).
Identifiers: ClinVar variation 1554471 (VCV001554471.12), dbSNP rs777055355, ClinGen allele CA5387735.

ClinVar aggregate classification (germline): Likely benign. Review status: criteria provided, multiple submitters, no conflicts (2 of 4 stars). 2 submissions from 2 submitters: Likely benign (2). Last evaluated 2026-01-01.

Allele frequency attached by ClinVar (database versions not stated): gnomAD 0.00001; TOPMed 0.00003.
gnomAD v4.1: 19 of 1,611,168 alleles (0.0012%); highest among the groups gnomAD compares: Admixed American, 0.032%; no homozygotes.

Submissions (2):

CeGaT Center for Human Genetics Tuebingen
Classification: Likely benign. Last evaluated: 2026-01-01. Review status: criteria provided, single submitter. Criteria: CeGaT Center For Human Genetics Tuebingen Variant Classification Criteria Version 2. Collection method: clinical testing. Allele origin: germline. Affected: yes. Observed: 1 variant allele.
Comment: PITRM1: BP4, BP7

Labcorp Genetics (formerly Invitae), Labcorp
Classification: Likely benign. Last evaluated: 2021-12-21. Review status: criteria provided, single submitter. Criteria: Invitae Variant Classification Sherloc (09022015). Collection method: clinical testing. Allele origin: germline.